The following is an entry in ClinVar:

NM_170665.4(ATP2A2):c.635C>G (p.Thr212Arg)

Gene: ATP2A2 (ATPase sarcoplasmic/endoplasmic reticulum Ca2+ transporting 2; plus strand). Cytogenetic location: 12q24.11.
Variant type: single nucleotide variant.
Coding change: c.635C>G on transcript NM_170665.4 (MANE Select); coding-DNA position 635, C replaced by G.
Protein change: p.Thr212Arg; replaces threonine 212 with arginine.
Molecular consequence: missense variant.
Genome position (GRCh38, 1-based): chr12:110,327,557, C>G. VCF-style: chr12-110327557-C-G. GRCh37 (hg19) VCF-style: chr12-110765362-C-G.
Other names: c.530C>G, p.Thr177Arg (NM_001413013.1); c.635C>G, p.Thr212Arg (NM_001413014.1, NM_001681.4); c.260C>G, p.Thr87Arg (NM_001413015.1); short protein forms T177R, T212R, T87R.
Identifiers: ClinVar variation 4540242 (VCV004540242.1).

ClinVar aggregate classification (germline): Uncertain significance (1 of 4 stars; one submission).

Submission:

GeneDx
Classification: Uncertain significance. Last evaluated: 2025-06-27. Review status: criteria provided, single submitter. Criteria: GeneDx Variant Classification Process June 2021. Collection method: clinical testing. Allele origin: germline. Affected: yes.
Comment: Not observed at significant frequency in large population cohorts (gnomAD); Missense variants in this gene are a common cause of disease and they are underrepresented in the general population; In silico analysis supports that this missense variant has a deleterious effect on protein structure/function; Has not been previously published as pathogenic or benign to our knowledge